The following is an entry in ClinVar:

NM_000435.3(NOTCH3):c.6611C>T (p.Pro2204Leu)

Gene: NOTCH3 (notch receptor 3; minus strand). Cytogenetic location: 19p13.12.
Variant type: single nucleotide variant.
Coding change: c.6611C>T on transcript NM_000435.3 (MANE Select); coding-DNA position 6611, C replaced by T.
Protein change: p.Pro2204Leu; replaces proline 2204 with leucine.
Molecular consequence: missense variant.
Genome position (GRCh38, 1-based): chr19:15,161,017, G>A on the plus strand (C>T on the coding strand, the complement: NOTCH3 is on the minus strand). VCF-style: chr19-15161017-G-A. GRCh37 (hg19) VCF-style: chr19-15271828-G-A.
Other names: p.Pro2204Leu; short protein forms P2204L.
Identifiers: ClinVar variation 328371 (VCV000328371.26), dbSNP rs371738874, ClinGen allele CA9262344.
Genomic context (GRCh38, chr19:15,161,017, plus strand): 5'-GCCGCCGGGTACTCCTCGCCATGTCCTGGGACTGCCAGGTAAGGCGGGGGCCGCTCCTGC[G>A]GGGAGACGGGGGTCCCTGGGTTGAGCAGCTGGGGTCCCGGCGCCAGTGGCAGCAGGAACG-3'
Protein context (NP_000426.2, residues 2194-2214): QLLNPGTPVS[Pro2204Leu]QERPPPYLAV

ClinVar aggregate classification (germline): Conflicting classifications of pathogenicity. Review status: criteria provided, conflicting classifications (1 of 4 stars). 8 submissions from 8 submitters: Uncertain significance (4); Likely benign (4). Last evaluated 2025-12-31.

Conditions:
Cerebral arteriopathy, autosomal dominant, with subcortical infarcts and leukoencephalopathy, type 1 (CADASIL1). Also called: CASIL; Cerebral arteriopathy with subcortical infarcts and leukoencephalopathy 1; CADASIL 1; DEMENTIA, HEREDITARY MULTIINFARCT TYPE. Identifiers: Orphanet 136, MedGen C4551768, MONDO:0000914, OMIM 125310.
NOTCH3-related disorder. Also called: NOTCH3-related disorders; NOTCH3-related condition.
Inborn genetic diseases. Identifiers: MedGen C0950123, MeSH D030342.

Allele frequency attached by ClinVar (database versions not stated): gnomAD exomes 0.00008 and 0.00013; ESP Exome Variant Server 0.00009; gnomAD 0.00014; TOPMed 0.00015; ExAC 0.00018; 1000 Genomes Project 0.00020; 1000 Genomes Project 30x 0.00047.
gnomAD v4.1: 200 of 1,537,018 alleles (0.013%); highest among the groups gnomAD compares: African/African-American, 0.03%; no homozygotes.

Submissions (8):

PreventionGenetics, part of Exact Sciences
Classification: Likely benign for NOTCH3-related condition. Last evaluated: 2025-12-31. Review status: criteria provided, single submitter. Criteria: ACMG Guidelines, 2015. Collection method: clinical testing. Allele origin: germline.
Comment: This variant is classified as likely benign based on ACMG/AMP sequence variant interpretation guidelines (Richards et al. 2015 PMID: 25741868, with internal and published modifications).

Ambry Genetics
Classification: Uncertain significance for Inborn genetic diseases. Last evaluated: 2025-11-06. Review status: criteria provided, single submitter. Criteria: Ambry Variant Classification Scheme 2023. Collection method: clinical testing. Allele origin: germline.

Athena Diagnostics
Classification: Likely benign. Last evaluated: 2025-08-21. Review status: criteria provided, single submitter. Criteria: Athena Diagnostics Criteria. Collection method: clinical testing. Allele origin: unknown.
Comment: The frequency of this variant in the general population is higher than would generally be expected for pathogenic variants in this gene. Computational tools predict this amino acid change may be benign.

GeneDx
Classification: Uncertain significance. Last evaluated: 2025-08-05. Review status: criteria provided, single submitter. Criteria: GeneDx Variant Classification Process June 2021. Collection method: clinical testing. Allele origin: germline. Affected: yes.
Comment: In silico analysis supports that this missense variant has a deleterious effect on protein structure/function; Has not been previously published as pathogenic or benign to our knowledge

Labcorp Genetics (formerly Invitae), Labcorp
Classification: Likely benign. Last evaluated: 2025-07-05. Review status: criteria provided, single submitter. Criteria: Invitae Variant Classification Sherloc (09022015). Collection method: clinical testing. Allele origin: germline.

Mayo Clinic Laboratories, Mayo Clinic
Classification: Uncertain significance. Last evaluated: 2022-09-30. Review status: criteria provided, single submitter. Criteria: ACMG Guidelines, 2015. Collection method: clinical testing. Allele origin: germline. Observed: 3 variant alleles.
Comment: BS2

ARUP Laboratories, Molecular Genetics and Genomics, ARUP Laboratories
Classification: Uncertain significance. Last evaluated: 2020-08-14. Review status: criteria provided, single submitter. Criteria: ARUP Molecular Germline Variant Investigation Process. Collection method: clinical testing. Allele origin: germline.
Comment: The NOTCH3 c.6611C>T; p.Pro2204Leu variant (rs371738874), to our knowledge, is not reported in the medical literature but is reported as likely benign in ClinVar (Variation ID: 328371). This variant is found in the general population with an overall allele frequency of 0.01% (17/177386 alleles) in the Genome Aggregation Database. The proline at codon 2204 is highly conserved, but computational analyses (SIFT: Damaging, PolyPhen-2: Benign) predict conflicting effects of this variant on protein structure/function. Most pathogenic NOTCH3 variants occur in exons 2-24 and either create or destroy a cysteine residue within an EGF-like domain (Rutten 2014). However, there are several amino acid substitutions not involving cysteine that may be disease-associated (Muino 2017). Although p.Pro2204Leu does not occur within this critical region or involve a cysteine residue, due to limited information at this time, its clinical significance is uncertain. REFERENCES Muino E et al. Systematic Review of Cysteine-Sparing NOTCH3 Missense Mutations in Patients with Clinical Suspicion of CADASIL. Int J Mol Sci. 2017 Sep 13;18(9). pii: E1964. Rutten JW et al. Interpretation of NOTCH3 mutations in the diagnosis of CADASIL. Expert Rev Mol Diagn. 2014 Jun;14(5):593-603.

Illumina Laboratory Services, Illumina
Classification: Likely benign for Cerebral arteriopathy, autosomal dominant, with subcortical infarcts and leukoencephalopathy, type 1. Last evaluated: 2018-01-13. Review status: criteria provided, single submitter. Criteria: ICSL Variant Classification Criteria 13 December 2019. Collection method: clinical testing. Allele origin: germline.
Comment: This variant was observed in the ICSL laboratory as part of a predisposition screen in an ostensibly healthy population. It had not been previously curated by ICSL or reported in the Human Gene Mutation Database (HGMD: prior to June 1st, 2018), and was therefore a candidate for classification through an automated scoring system. Utilizing variant allele frequency, disease prevalence and penetrance estimates, and inheritance mode, an automated score was calculated to assess if this variant is too frequent to cause the disease. Based on the score and internal cut-off values, a variant classified as likely benign is not then subjected to further curation. The score for this variant resulted in a classification of likely benign for this disease.